The following is an entry in ClinVar:

NM_000256.3(MYBPC3):c.240A>G (p.Ala80=)

Gene: MYBPC3 (myosin binding protein C3; minus strand). Cytogenetic location: 11p11.2.
Variant type: single nucleotide variant.
Coding change: c.240A>G on transcript NM_000256.3 (MANE Select); coding-DNA position 240, A replaced by G.
Protein change: p.Ala80=; no amino-acid change (alanine 80 retained).
Molecular consequence: synonymous variant.
Genome position (GRCh38, 1-based): chr11:47,351,291, T>C on the plus strand (A>G on the coding strand, the complement: MYBPC3 is on the minus strand). VCF-style: chr11-47351291-T-C. GRCh37 (hg19) VCF-style: chr11-47372842-T-C.
Other names: c.240A>G, p.Ala80= (LRG_386t1).
Identifiers: ClinVar variation 384447 (VCV000384447.18), dbSNP rs770089112, ClinGen allele CA049591.

ClinVar aggregate classification (germline): Likely benign. Review status: criteria provided, multiple submitters, no conflicts (2 of 4 stars). 7 submissions from 7 submitters: Likely benign (7). Last evaluated 2026-03-27.

Conditions:
Cardiovascular phenotype. Identifiers: MedGen CN230736.
Hypertrophic cardiomyopathy. Also called: HYPERTROPHIC MYOCARDIOPATHY. Identifiers: Orphanet 217569, MedGen C0007194, MeSH D002312, MONDO:0005045, HP:0001639.
Cardiomyopathy (CMYO). Also called: Cardiomyopathies. Identifiers: Orphanet 167848, MedGen C0878544, MONDO:0004994, HP:0001638. Inheritance: Various modes of inheritance.

Allele frequency attached by ClinVar (database versions not stated): gnomAD 0.00001; TOPMed 0.00002; ExAC 0.00003; gnomAD exomes 0.00003.
gnomAD v4.1: 48 of 1,566,864 alleles (0.0031%); highest among the groups gnomAD compares: Non-Finnish European, 0.0042%; no homozygotes.

Submissions (7):

Molecular Diagnostic Laboratory for Inherited Cardiovascular Disease, Montreal Heart Institute
Classification: Likely benign. Last evaluated: 2026-03-27. Review status: criteria provided, single submitter. Criteria: ACMG Guidelines, 2015. Collection method: clinical testing. Allele origin: germline. Affected: no.
Comment: BP7

Labcorp Genetics (formerly Invitae), Labcorp
Classification: Likely benign for Hypertrophic cardiomyopathy. Last evaluated: 2025-06-17. Review status: criteria provided, single submitter. Criteria: Invitae Variant Classification Sherloc (09022015). Collection method: clinical testing. Allele origin: germline.

Blueprint Genetics
Classification: Likely benign. Last evaluated: 2024-02-01. Review status: criteria provided, single submitter. Criteria: ACMG Guidelines, 2015. Collection method: clinical testing. Allele origin: germline.

All of Us Research Program, National Institutes of Health
Classification: Likely benign for Hypertrophic cardiomyopathy. Last evaluated: 2023-07-22. Review status: criteria provided, single submitter. Criteria: ACMG Guidelines, 2015. Collection method: clinical testing. Allele origin: germline. Inheritance: Autosomal dominant inheritance. Observed: 3 variant alleles, 3 heterozygotes.
Comment: This study involves interpretation of variants in research participants for the purpose of population health screening. Participant phenotype was not available at the time of variant classification. Additional details can be found in publication PMID: 35346344, PMCID: PMC8962531

Ambry Genetics
Classification: Likely benign for Cardiovascular phenotype. Last evaluated: 2022-10-02. Review status: criteria provided, single submitter. Criteria: Ambry Variant Classification Scheme 2023. Collection method: clinical testing. Allele origin: germline.

Color Diagnostics, LLC DBA Color Health
Classification: Likely benign for Cardiomyopathy. Last evaluated: 2019-09-16. Review status: criteria provided, single submitter. Criteria: ACMG Guidelines, 2015. Collection method: clinical testing. Allele origin: germline.

GeneDx
Classification: Likely benign. Last evaluated: 2016-03-02. Review status: criteria provided, single submitter. Criteria: GeneDx Variant Classification (06012015). Collection method: clinical testing. Allele origin: germline. Affected: yes.
Comment: This variant is considered likely benign or benign based on one or more of the following criteria: it is a conservative change, it occurs at a poorly conserved position in the protein, it is predicted to be benign by multiple in silico algorithms, and/or has population frequency not consistent with disease.